The following is an entry in ClinVar:

ClinVar aggregate classification (germline): Uncertain significance (1 of 4 stars; one submission).

gnomAD v4.1: 5 of 1,614,036 alleles (0.00031%); highest among the groups gnomAD compares: Non-Finnish European, 0.00025%; no homozygotes.

Submission:

Ambry Genetics
Classification: Uncertain significance. Last evaluated: 2026-05-30. Review status: criteria provided, single submitter. Criteria: Ambry Variant Classification Scheme 2023. Collection method: clinical testing. Allele origin: germline.
Comment: The p.T553A variant (also known as c.1657A>G), located in coding exon 8 of the ATRIP gene, results from an A to G substitution at nucleotide position 1657. The threonine at codon 553 is replaced by alanine, an amino acid with similar properties. This amino acid position is conserved. In addition, this alteration is predicted to be tolerated by in silico analysis. Based on the available evidence, the clinical significance of this variant remains unclear.

NM_130384.3(ATRIP):c.1657A>G (p.Thr553Ala)

Genes: ATRIP (ATR interacting protein; plus strand), ATRIP-TREX1 (ATRIP-TREX1 readthrough; plus strand). Cytogenetic location: 3p21.31.
Variant type: single nucleotide variant.
Coding change: c.1657A>G on transcript NM_130384.3 (MANE Select); coding-DNA position 1657, A replaced by G.
Protein change: p.Thr553Ala; replaces threonine 553 with alanine.
Molecular consequence: missense variant. On other transcripts: non-coding transcript variant (1).
Genome position (GRCh38, 1-based): chr3:48,460,711, A>G. VCF-style: chr3-48460711-A-G. GRCh37 (hg19) VCF-style: chr3-48502110-A-G.
Other names: c.1276A>G, p.Thr426Ala (NM_001271022.2); c.1378A>G, p.Thr460Ala (NM_001271023.2); c.1657A>G, p.Thr553Ala (NM_032166.4); short protein forms T426A, T460A, T553A.
Identifiers: ClinVar variation 4867258 (VCV004867258.1).